The following is an entry in ClinVar:

ClinVar aggregate classification (germline): Likely benign. Review status: criteria provided, multiple submitters, no conflicts (2 of 4 stars). 3 submissions from 3 submitters: Likely benign (3). Last evaluated 2026-09-03.

Conditions:
ZNF423-related disorder. Also called: ZNF423-related condition.
Nephronophthisis 14 (NPHP14). Identifiers: Orphanet 2318, MedGen C3539071, MONDO:0013916, OMIM 614844.

Allele frequency attached by ClinVar (database versions not stated): ExAC 0.00004; gnomAD 0.00004; TOPMed 0.00005; ESP Exome Variant Server 0.00008; gnomAD exomes 0.00003.
gnomAD v4.1: 42 of 1,614,008 alleles (0.0026%); highest among the groups gnomAD compares: Middle Eastern, 0.016%; no homozygotes.

Submissions (3):

PreventionGenetics, part of Exact Sciences
Classification: Likely benign for ZNF423-related condition. Last evaluated: 2026-09-03. Review status: criteria provided, single submitter. Criteria: ACMG Guidelines, 2015. Collection method: clinical testing. Allele origin: germline.
Comment: This variant is classified as likely benign based on ACMG/AMP sequence variant interpretation guidelines (Richards et al. 2015 PMID: 25741868, with internal and published modifications).

Labcorp Genetics (formerly Invitae), Labcorp
Classification: Likely benign for Nephronophthisis 14. Last evaluated: 2025-07-21. Review status: criteria provided, single submitter. Criteria: Invitae Variant Classification Sherloc (09022015). Collection method: clinical testing. Allele origin: germline.

Blueprint Genetics
Classification: Likely benign. Last evaluated: 2022-08-03. Review status: criteria provided, single submitter. Criteria: ACMG Guidelines, 2015. Collection method: clinical testing. Allele origin: germline.

NM_001379286.1(ZNF423):c.126C>T (p.Cys42=)

Gene: ZNF423 (zinc finger protein 423; minus strand). Cytogenetic location: 16q12.1.
Variant type: single nucleotide variant.
Coding change: c.126C>T on transcript NM_001379286.1 (MANE Select); coding-DNA position 126, C replaced by T.
Protein change: p.Cys42=; no amino-acid change (cysteine 42 retained).
Molecular consequence: synonymous variant. On other transcripts: 5 prime UTR variant (1).
Genome position (GRCh38, 1-based): chr16:49,730,946, G>A on the plus strand (C>T on the coding strand, the complement: ZNF423 is on the minus strand). VCF-style: chr16-49730946-G-A. GRCh37 (hg19) VCF-style: chr16-49764857-G-A.
Other names: c.-79C>T (NM_001271620.2); c.102C>T, p.Cys34= (NM_015069.5); c.102C>T (NM_015069.4).
Identifiers: ClinVar variation 1113779 (VCV001113779.11), dbSNP rs139517505, ClinGen allele CA8046955.
Genomic context (GRCh38, chr16:49,730,946, plus strand): 5'-TCTCTCCTCTTGACTTGTCACGCTGTTCCTGTCTTCCAGCGCACGGCTGGTTTTCTGATC[G>A]CACTCTGGCTCTCCTTCTAGGCCTCCTGCCAACAGGAAGAATACAGTCCATGTCAGCTGA-3'
Protein context (NP_001366215.1, residues 32-52): AAGGLEGEPE[Cys42=]DQKTSRALED